The following is an entry in ClinVar:

ClinVar aggregate classification (germline): Uncertain significance. Review status: criteria provided, single submitter (1 of 4 stars). 2 submissions from 2 submitters: Uncertain significance (1). 1 of the submissions does not count toward it. Last evaluated 2024-05-07.

Conditions:
Retinal dystrophy. Also called: Inherited retinal dystrophy. Identifiers: Orphanet 71862, MedGen C0854723, MeSH D058499, MONDO:0019118, HP:0000556.

gnomAD v4.1: 9 of 1,613,904 alleles (0.00056%); highest among the groups gnomAD compares: South Asian, 0.0055%; no homozygotes.

Submissions (2):

Labcorp Genetics (formerly Invitae), Labcorp
Classification: Uncertain significance. Last evaluated: 2024-05-07. Review status: criteria provided, single submitter. Criteria: Invitae Variant Classification Sherloc (09022015). Collection method: clinical testing. Allele origin: germline.
Comment: This sequence change replaces methionine, which is neutral and non-polar, with valine, which is neutral and non-polar, at codon 567 of the IMPDH1 protein (p.Met567Val). This variant is present in population databases (no rsID available, gnomAD 0.006%). This variant has not been reported in the literature in individuals affected with IMPDH1-related conditions. An algorithm developed to predict the effect of missense changes on protein structure and function (PolyPhen-2) suggests that this variant is likely to be disruptive. In summary, the available evidence is currently insufficient to determine the role of this variant in disease. Therefore, it has been classified as a Variant of Uncertain Significance.

Institute of Human Genetics, Univ. Regensburg, Univ. Regensburg
Classification: Uncertain significance for Retinal dystrophy. Last evaluated: 2022-01-01. Review status: no assertion criteria provided. Criteria: ACMG Guidelines, 2015. Collection method: clinical testing. Allele origin: germline. Affected: yes. Not counted in ClinVar's aggregate classification.

NM_000883.4(IMPDH1):c.1699A>G (p.Met567Val)

Gene: IMPDH1 (inosine monophosphate dehydrogenase 1; minus strand). Cytogenetic location: 7q32.1.
Variant type: single nucleotide variant.
Coding change: c.1699A>G on transcript NM_000883.4 (MANE Select); coding-DNA position 1699, A replaced by G.
Protein change: p.Met567Val; replaces methionine 567 with valine.
Molecular consequence: missense variant.
Genome position (GRCh38, 1-based): chr7:128,394,357, T>C on the plus strand (A>G on the coding strand, the complement: IMPDH1 is on the minus strand). VCF-style: chr7-128394357-T-C. GRCh37 (hg19) VCF-style: chr7-128034411-T-C.
Other names: c.1669A>G, p.Met557Val (NM_001102605.2); c.1444A>G, p.Met482Val (NM_001142573.2); c.1429A>G, p.Met477Val (NM_001142574.2); c.1369A>G, p.Met457Val (NM_001142575.2); c.1600A>G, p.Met534Val (NM_001142576.2); c.1492A>G, p.Met498Val (NM_001304521.2); c.1591A>G, p.Met531Val (NM_183243.3); short protein forms M457V, M477V, M482V, M498V, M531V, M534V, M557V, M567V.
Identifiers: ClinVar variation 3249204 (VCV003249204.3).
Genomic context (GRCh38, chr7:128,394,357, plus strand): 5'-CACCCTCAATCTGGGCCGACATGGTCCGCTTCTCAAACTTGAGCTCTCCTGAGTACATCA[T>C]GGACCTAGGAGGAAGGTAGGTGGAGCAGATCAGGGCCACCAAGGGTGGAGAAGAGCGAGA-3'
Protein context (NP_000874.2, residues 557-577): GARSLSVLRS[Met567Val]MYSGELKFEK